The following is an entry in ClinVar:

NM_014967.5(FAN1):c.2593-5C>T

Genes: FAN1 (FANCD2 and FANCI associated nuclease 1; plus strand), MTMR10 (myotubularin related protein 10; minus strand). Cytogenetic location: 15q13.3.
Variant type: single nucleotide variant.
Coding change: c.2593-5C>T on transcript NM_014967.5 (MANE Select); 5 bases into the intron before coding-DNA position 2593, C replaced by T.
Molecular consequence: intron variant.
Genome position (GRCh38, 1-based): chr15:30,929,198, C>T. VCF-style: chr15-30929198-C-T. GRCh37 (hg19) VCF-style: chr15-31221401-C-T.
Identifiers: ClinVar variation 4022062 (VCV004022062.1).

ClinVar aggregate classification (germline): Uncertain significance (1 of 4 stars; one submission).

Conditions:
Inborn genetic diseases. Identifiers: MedGen C0950123, MeSH D030342.

gnomAD v4.1: 8 of 1,610,118 alleles (0.0005%); highest among the groups gnomAD compares: East Asian, 0.016%; no homozygotes.

Submission:

Ambry Genetics
Classification: Uncertain significance for Inborn genetic diseases. Last evaluated: 2025-05-27. Review status: criteria provided, single submitter. Criteria: Ambry Variant Classification Scheme 2023. Collection method: clinical testing. Allele origin: germline.
Comment: The c.2593-5C>T intronic alteration consists of a C to T substitution 5 nucleotides before exon 12 (coding exon 11) of the FAN1 gene. Based on insufficient or conflicting evidence, the clinical significance of this alteration remains unclear.